The following is an entry in ClinVar:

ClinVar aggregate classification (germline): Benign (1 of 4 stars; one submission).

Conditions:
Autosomal recessive omodysplasia (OMOD1). Also called: MICROMELIC DYSPLASIA, CONGENITAL, WITH DISLOCATION OF RADIUS. Identifiers: Orphanet 2733, Orphanet 93329, MedGen C1850318, MONDO:0009779, OMIM 258315.

Allele frequency attached by ClinVar (database versions not stated): gnomAD exomes 0.00239; gnomAD 0.01818; TOPMed 0.02198; 1000 Genomes Project 0.02276; 1000 Genomes Project 30x 0.02405.

Submissions (2):

Illumina Laboratory Services, Illumina
Classification: Benign for Autosomal recessive omodysplasia. Last evaluated: 2018-01-12. Review status: criteria provided, single submitter. Criteria: ICSL Variant Classification Criteria 13 December 2019. Collection method: clinical testing. Allele origin: germline.
Comment: This variant was observed in the ICSL laboratory as part of a predisposition screen in an ostensibly healthy population. It had not been previously curated by ICSL or reported in the Human Gene Mutation Database (HGMD: prior to June 1st, 2018), and was therefore a candidate for classification through an automated scoring system. Utilizing variant allele frequency, disease prevalence and penetrance estimates, and inheritance mode, an automated score was calculated to assess if this variant is too frequent to cause the disease. Based on the score and internal cut-off values, a variant classified as benign is not then subjected to further curation. The score for this variant resulted in a classification of benign for this disease.

Dr. Peter K. Rogan Lab, Western University
No classification provided (evidence only). Condition: Sarcoma. Review status: no classification provided. Collection method: in vitro. Allele origin: not applicable. Functional consequence: retained intron. Not counted in ClinVar's aggregate classification.

NM_005708.5(GPC6):c.*385G>A

Gene: GPC6 (glypican 6; plus strand). Cytogenetic location: 13q32.1.
Variant type: single nucleotide variant.
Coding change: c.*385G>A on transcript NM_005708.5 (MANE Select); 385 bases downstream of the stop codon, G replaced by A.
Molecular consequence: 3 prime UTR variant.
Genome position (GRCh38, 1-based): chr13:94,403,602, G>A. VCF-style: chr13-94403602-G-A. GRCh37 (hg19) VCF-style: chr13-95055856-G-A.
Other names: NC_000013.10:g.95055856G>A.
Identifiers: ClinVar variation 312564 (VCV000312564.6), dbSNP rs7325795, ClinGen allele CA10643761.
Genomic context (GRCh38, chr13:94,403,602, plus strand): 5'-TTTTTTTTTTCTCATTTAAAATAAAAAAGGAAGAAAGAAAATAATTTTCCTTGTAAAATC[G>A]GGCCAAACCCCAAGACAGCTACATTTTCAACAAAAAAGCAAACAGAGAAAAATAAATGAA-3'